The following is an entry in ClinVar:

NM_000059.4(BRCA2):c.2923A>G (p.Ile975Val)

Gene: BRCA2 (BRCA2 DNA repair associated; plus strand). Cytogenetic location: 13q13.1.
Variant type: single nucleotide variant.
Coding change: c.2923A>G on transcript NM_000059.4 (MANE Select); coding-DNA position 2923, A replaced by G.
Protein change: p.Ile975Val; replaces isoleucine 975 with valine.
Molecular consequence: missense variant.
Genome position (GRCh38, 1-based): chr13:32,337,278, A>G. VCF-style: chr13-32337278-A-G. GRCh37 (hg19) VCF-style: chr13-32911415-A-G.
Other names: short protein forms I975V.
Identifiers: ClinVar variation 822273 (VCV000822273.14), dbSNP rs757213764, ClinGen allele CA387774213.

ClinVar aggregate classification (germline): Conflicting classifications of pathogenicity. Review status: criteria provided, conflicting classifications (1 of 4 stars). 5 submissions from 5 submitters: Uncertain significance (4); Likely benign (1). Last evaluated 2025-08-19.

Conditions:
Hereditary breast ovarian cancer syndrome. Also called: Hereditary breast and ovarian cancer; Breast and ovarian cancer; Hereditary breast and/or ovarian cancer syndrome; Hereditary breast and ovarian cancer syndrome; BRCA1- and BRCA2-Associated Hereditary Breast and Ovarian Cancer; Hereditary breast and ovarian cancer syndrome (HBOC). Identifiers: Orphanet 145, MedGen C0677776, MeSH D061325, MONDO:0003582. Disease mechanism: loss of function.
Hereditary cancer-predisposing syndrome. Also called: Tumor predisposition; Hereditary Cancer Syndrome; Neoplastic Syndromes, Hereditary; Hereditary neoplastic syndrome. Identifiers: Orphanet 140162, MedGen C0027672, MeSH D009386, MONDO:0015356.

gnomAD v4.1: 3 of 1,612,054 alleles (0.00019%); highest among the groups gnomAD compares: Non-Finnish European, 0.00025%; no homozygotes.

Submissions (5):

Color Diagnostics, LLC DBA Color Health
Classification: Uncertain significance for Hereditary cancer-predisposing syndrome. Last evaluated: 2025-08-19. Review status: criteria provided, single submitter. Criteria: ACMG Guidelines, 2015. Collection method: clinical testing. Allele origin: germline.
Comment: This missense variant replaces isoleucine with valine at codon 975 of the BRCA2 protein. Computational prediction suggests that this variant may not impact protein structure and function. To our knowledge, functional studies have not been reported for this variant. This variant has been detected in a breast cancer case-control meta-analysis in 1/60466 cases and 0/53461 unaffected individuals (PMID: 33471991Leiden Open Variation Database DB-ID BRCA2_001390). This variant has not been identified in the general population by the Genome Aggregation Database (gnomAD). The available evidence is insufficient to determine the role of this variant in disease conclusively. Therefore, this variant is classified as a Variant of Uncertain Significance.

Labcorp Genetics (formerly Invitae), Labcorp
Classification: Uncertain significance for Hereditary breast ovarian cancer syndrome. Last evaluated: 2024-12-18. Review status: criteria provided, single submitter. Criteria: Invitae Variant Classification Sherloc (09022015). Collection method: clinical testing. Allele origin: germline.
Comment: This sequence change replaces isoleucine, which is neutral and non-polar, with valine, which is neutral and non-polar, at codon 975 of the BRCA2 protein (p.Ile975Val). This variant is not present in population databases (gnomAD no frequency). This variant has not been reported in the literature in individuals affected with BRCA2-related conditions. ClinVar contains an entry for this variant (Variation ID: 822273). Invitae Evidence Modeling of protein sequence and biophysical properties (such as structural, functional, and spatial information, amino acid conservation, physicochemical variation, residue mobility, and thermodynamic stability) indicates that this missense variant is not expected to disrupt BRCA2 protein function with a negative predictive value of 95%. In summary, the available evidence is currently insufficient to determine the role of this variant in disease. Therefore, it has been classified as a Variant of Uncertain Significance.

University of Washington Department of Laboratory Medicine, University of Washington
Classification: Likely benign for Hereditary cancer-predisposing syndrome. Last evaluated: 2023-03-23. Review status: criteria provided, single submitter. Criteria: Dines et al. (Genet Med. 2020). Collection method: curation. Allele origin: germline.
Comment: Missense variant in a coldspot region where missense variants are very unlikely to be pathogenic (PMID:31911673).

BRCA2 exon 11 coldspot. Reclassification based on statistical prior probability.

Quest Diagnostics Nichols Institute San Juan Capistrano
Classification: Uncertain significance. Last evaluated: 2021-07-08. Review status: criteria provided, single submitter. Criteria: Quest Diagnostics criteria. Collection method: clinical testing. Allele origin: unknown.

Ambry Genetics
Classification: Uncertain significance for Hereditary cancer-predisposing syndrome. Last evaluated: 2019-10-15. Review status: criteria provided, single submitter. Criteria: Ambry Variant Classification Scheme 2023. Collection method: clinical testing. Allele origin: germline.
Comment: The p.I975V variant (also known as c.2923A>G), located in coding exon 10 of the BRCA2 gene, results from an A to G substitution at nucleotide position 2923. The isoleucine at codon 975 is replaced by valine, an amino acid with highly similar properties. This amino acid position is not well conserved in available vertebrate species. In addition, this alteration is predicted to be tolerated by in silico analysis. Since supporting evidence is limited at this time, the clinical significance of this alteration remains unclear.

Literature cited by the submitters: PubMed 33471991 (cited by Color Diagnostics, LLC DBA Color Health).